The following is an entry in ClinVar:

ClinVar aggregate classification (germline): Uncertain significance. Review status: criteria provided, multiple submitters, no conflicts (2 of 4 stars). 4 submissions from 3 submitters: Uncertain significance (4). Last evaluated 2023-02-08.

Conditions:
Familial cutaneous telangiectasia and oropharyngeal predisposition cancer syndrome. Identifiers: Orphanet 313846, MedGen C3281203, MONDO:0013806, OMIM 614564.
Inborn genetic diseases. Identifiers: MedGen C0950123, MeSH D030342.
Seckel syndrome 1 (SCKL1). Also called: MICROCEPHALIC PRIMORDIAL DWARFISM I. Identifiers: Orphanet 808, MedGen C4551474, MONDO:0008869, OMIM 210600.

Submissions (4):

Genome-Nilou Lab
Classification: Uncertain significance for Seckel syndrome 1. Last evaluated: 2023-02-08. Review status: criteria provided, single submitter. Criteria: ACMG Guidelines, 2015. Collection method: clinical testing. Allele origin: germline.

Genome-Nilou Lab
Classification: Uncertain significance for Familial cutaneous telangiectasia and oropharyngeal predisposition cancer syndrome. Last evaluated: 2023-02-08. Review status: criteria provided, single submitter. Criteria: ACMG Guidelines, 2015. Collection method: clinical testing. Allele origin: germline.

Ambry Genetics
Classification: Uncertain significance for Inborn genetic diseases. Last evaluated: 2021-10-14. Review status: criteria provided, single submitter. Criteria: Ambry Variant Classification Scheme 2023. Collection method: clinical testing. Allele origin: germline.
Comment: The p.S1348F variant (also known as c.4043C>T), located in coding exon 22 of the ATR gene, results from a C to T substitution at nucleotide position 4043. The serine at codon 1348 is replaced by phenylalanine, an amino acid with highly dissimilar properties. This amino acid position is conserved. In addition, this alteration is predicted to be tolerated by in silico analysis. Since supporting evidence is limited at this time, the clinical significance of this alteration remains unclear.

Labcorp Genetics (formerly Invitae), Labcorp
Classification: Uncertain significance. Last evaluated: 2020-07-10. Review status: criteria provided, single submitter. Criteria: Invitae Variant Classification Sherloc (09022015). Collection method: clinical testing. Allele origin: germline.
Comment: This sequence change replaces serine with phenylalanine at codon 1348 of the ATR protein (p.Ser1348Phe). The serine residue is moderately conserved and there is a large physicochemical difference between serine and phenylalanine. This variant is not present in population databases (ExAC no frequency). This variant has not been reported in the literature in individuals with ATR-related conditions. Algorithms developed to predict the effect of missense changes on protein structure and function are either unavailable or do not agree on the potential impact of this missense change (SIFT: "Deleterious"; PolyPhen-2: "Possibly Damaging"; Align-GVGD: "Class C0"). In summary, the available evidence is currently insufficient to determine the role of this variant in disease. Therefore, it has been classified as a Variant of Uncertain Significance.

NM_001184.4(ATR):c.4043C>T (p.Ser1348Phe)

Gene: ATR (ATR checkpoint kinase; minus strand). Cytogenetic location: 3q23.
Variant type: single nucleotide variant.
Coding change: c.4043C>T on transcript NM_001184.4 (MANE Select); coding-DNA position 4043, C replaced by T.
Protein change: p.Ser1348Phe; replaces serine 1348 with phenylalanine.
Molecular consequence: missense variant.
Genome position (GRCh38, 1-based): chr3:142,524,102, G>A on the plus strand (C>T on the coding strand, the complement: ATR is on the minus strand). VCF-style: chr3-142524102-G-A. GRCh37 (hg19) VCF-style: chr3-142242944-G-A.
Other names: c.3851C>T, p.Ser1284Phe (NM_001354579.2); short protein forms S1284F, S1348F.
Identifiers: ClinVar variation 1059754 (VCV001059754.11), dbSNP rs2108399551, ClinGen allele CA354802549.